The following is an entry in ClinVar:

ClinVar aggregate classification (germline): Conflicting classifications of pathogenicity. Review status: criteria provided, conflicting classifications (1 of 4 stars). 3 submissions from 2 submitters: Uncertain significance (2); Likely benign (1). Last evaluated 2024-10-21.

Conditions:
Neuronopathy, distal hereditary motor, type 7B. Also called: Distal Hereditary Motor Neuronopathy Type 7B (dHMN7B); NEURONOPATHY, DISTAL HEREDITARY MOTOR, AUTOSOMAL DOMINANT 14; NEURONOPATHY, DISTAL HEREDITARY MOTOR, HARDING TYPE VIIB; NEUROPATHY, DISTAL HEREDITARY MOTOR, HARDING TYPE VIIB; NEUROPATHY, DISTAL HEREDITARY MOTOR, WITH VOCAL CORD PARALYSIS, HARDING TYPE VIIB; HMN VIIB. Identifiers: Orphanet 139589, MedGen C1843315, MONDO:0011879, OMIM 607641.
Amyotrophic lateral sclerosis type 1 (ALS1). Also called: AMYOTROPHIC LATERAL SCLEROSIS 1, FAMILIAL. Identifiers: Orphanet 803, MedGen C1862939, MONDO:0007103, OMIM 105400.
Perry syndrome. Also called: PARKINSONISM WITH ALVEOLAR HYPOVENTILATION AND MENTAL DEPRESSION. Identifiers: Orphanet 178509, MedGen C1868594, MONDO:0008201, OMIM 168605.

Allele frequency attached by ClinVar (database versions not stated): gnomAD 0.00001; gnomAD exomes 0.00003 and 0.00005; ExAC 0.00005; TOPMed 0.00005.

Submissions (3):

Labcorp Genetics (formerly Invitae), Labcorp
Classification: Uncertain significance for Amyotrophic lateral sclerosis type 1; Neuronopathy, distal hereditary motor, type 7B; Perry syndrome. Last evaluated: 2024-10-21. Review status: criteria provided, single submitter. Criteria: Invitae Variant Classification Sherloc (09022015). Collection method: clinical testing. Allele origin: germline.
Comment: This sequence change replaces glutamine, which is neutral and polar, with glutamic acid, which is acidic and polar, at codon 1238 of the DCTN1 protein (p.Gln1238Glu). This variant is present in population databases (rs778307537, gnomAD 0.006%). This variant has not been reported in the literature in individuals affected with DCTN1-related conditions. ClinVar contains an entry for this variant (Variation ID: 654711). Invitae Evidence Modeling of protein sequence and biophysical properties (such as structural, functional, and spatial information, amino acid conservation, physicochemical variation, residue mobility, and thermodynamic stability) indicates that this missense variant is not expected to disrupt DCTN1 protein function with a negative predictive value of 95%. In summary, the available evidence is currently insufficient to determine the role of this variant in disease. Therefore, it has been classified as a Variant of Uncertain Significance.

Illumina Laboratory Services, Illumina
Classification: Uncertain significance for Neuronopathy, distal hereditary motor, type 7B. Last evaluated: 2018-01-13. Review status: criteria provided, single submitter. Criteria: ICSL Variant Classification Criteria 13 December 2019. Collection method: clinical testing. Allele origin: germline.

Illumina Laboratory Services, Illumina
Classification: Likely benign for Perry syndrome. Last evaluated: 2018-01-13. Review status: criteria provided, single submitter. Criteria: ICSL Variant Classification Criteria 13 December 2019. Collection method: clinical testing. Allele origin: germline.
Comment: This variant was observed in the ICSL laboratory as part of a predisposition screen in an ostensibly healthy population. It had not been previously curated by ICSL or reported in the Human Gene Mutation Database (HGMD: prior to June 1st, 2018), and was therefore a candidate for classification through an automated scoring system. Utilizing variant allele frequency, disease prevalence and penetrance estimates, and inheritance mode, an automated score was calculated to assess if this variant is too frequent to cause the disease. Based on the score and internal cut-off values, a variant classified as likely benign is not then subjected to further curation. The score for this variant resulted in a classification of likely benign for this disease.

NM_004082.5(DCTN1):c.3712C>G (p.Gln1238Glu)

Gene: DCTN1 (dynactin subunit 1; minus strand). Cytogenetic location: 2p13.1.
Variant type: single nucleotide variant.
Coding change: c.3712C>G on transcript NM_004082.5 (MANE Select); coding-DNA position 3712, C replaced by G.
Protein change: p.Gln1238Glu; replaces glutamine 1238 with glutamic acid.
Molecular consequence: missense variant. On other transcripts: non-coding transcript variant (1).
Genome position (GRCh38, 1-based): chr2:74,361,624, G>C on the plus strand (C>G on the coding strand, the complement: DCTN1 is on the minus strand). VCF-style: chr2-74361624-G-C. GRCh37 (hg19) VCF-style: chr2-74588751-G-C.
Other names: c.3637C>G, p.Gln1213Glu (NM_001135040.3); c.3295C>G, p.Gln1099Glu (NM_001135041.3); c.3586C>G, p.Gln1196Glu (NM_001190836.2); c.3691C>G, p.Gln1231Glu (NM_001190837.2); c.3661C>G, p.Gln1221Glu (NM_001378991.1); c.3643C>G, p.Gln1215Glu (NM_001378992.1); c.3310C>G, p.Gln1104Glu (NM_023019.4); short protein forms Q1231E, Q1099E, Q1196E, Q1104E, Q1213E, Q1238E, Q1215E, Q1221E.
Identifiers: ClinVar variation 654711 (VCV000654711.12), dbSNP rs778307537, ClinGen allele CA1721367.